The following is an entry in ClinVar:

NM_000396.4(CTSK):c.190_200del (p.Ala64fs)

Gene: CTSK (cathepsin K; minus strand). Cytogenetic location: 1q21.3.
Variant type: Deletion.
Coding change: c.190_200del on transcript NM_000396.4 (MANE Select); coding-DNA positions 190 to 200, 11 bases deleted (GCTTCTCTTGG).
Protein change: p.Ala64fs; shifts the reading frame from alanine 64.
Molecular consequence: frameshift variant.
Genome position (GRCh38, 1-based): chr1:150,806,145-150,806,155, CCAAGAGAAGC deleted on the plus strand (GCTTCTCTTGG on the coding strand, the reverse complement: CTSK is on the minus strand); deleting any 11 consecutive bases within chr1:150,806,145-150,806,156 gives the same sequence; the c. name uses the placement nearest the transcript's 3' end. VCF-style (leftmost placement, unchanged base first): chr1-150806144-ACCAAGAGAAGC-A. GRCh37 (hg19) VCF-style: chr1-150778620-ACCAAGAGAAGC-A.
Other names: short protein forms A64fs.
Identifiers: ClinVar variation 1073787 (VCV001073787.10), dbSNP rs760640027, ClinGen allele CA1080558.

ClinVar aggregate classification (germline): Pathogenic/Likely pathogenic. Review status: criteria provided, multiple submitters, no conflicts (2 of 4 stars). 3 submissions from 3 submitters: Pathogenic (1); Likely pathogenic (2). Last evaluated 2025-12-15.

Conditions:
Pyknodysostosis. Also called: Pycnodysostosis. Identifiers: Orphanet 763, MedGen C0238402, MONDO:0009940, OMIM 265800.

Submissions (3):

Labcorp Genetics (formerly Invitae), Labcorp
Classification: Pathogenic. Last evaluated: 2025-12-15. Review status: criteria provided, single submitter. Criteria: Invitae Variant Classification Sherloc (09022015). Collection method: clinical testing. Allele origin: germline.
Comment: This sequence change creates a premature translational stop signal (p.Ala64Cysfs*5) in the CTSK gene. It is expected to result in an absent or disrupted protein product. Loss-of-function variants in CTSK are known to be pathogenic (PMID: 12125807, 21569238). This variant is present in population databases (rs760640027, gnomAD 0.007%). This variant has not been reported in the literature in individuals affected with CTSK-related conditions. ClinVar contains an entry for this variant (Variation ID: 1073787). Algorithms developed to predict the effect of sequence changes on RNA splicing suggest that this variant may disrupt the consensus splice site. For these reasons, this variant has been classified as Pathogenic.

Fulgent Genetics
Classification: Likely pathogenic for Pyknodysostosis. Last evaluated: 2024-05-04. Review status: criteria provided, single submitter. Criteria: ACMG Guidelines, 2015. Collection method: clinical testing. Allele origin: germline.

Baylor Genetics
Classification: Likely pathogenic for Pyknodysostosis. Last evaluated: 2024-03-20. Review status: criteria provided, single submitter. Criteria: ACMG Guidelines, 2015. Collection method: clinical testing. Allele origin: unknown.

Literature cited by the submitters: PubMed 12125807 (cited by Labcorp Genetics (formerly Invitae), Labcorp); PubMed 21569238 (cited by Labcorp Genetics (formerly Invitae), Labcorp).